The following is an entry in ClinVar:

NM_000719.7(CACNA1C):c.1064C>T (p.Thr355Met)

Gene: CACNA1C (calcium voltage-gated channel subunit alpha1 C; plus strand). Cytogenetic location: 12p13.33.
Variant type: single nucleotide variant.
Coding change: c.1064C>T on transcript NM_000719.7 (MANE Select); coding-DNA position 1064, C replaced by T.
Protein change: p.Thr355Met; replaces threonine 355 with methionine.
Molecular consequence: missense variant.
Genome position (GRCh38, 1-based): chr12:2,493,337, C>T. VCF-style: chr12-2493337-C-T. GRCh37 (hg19) VCF-style: chr12-2602503-C-T.
Other names: c.1064C>T, p.Thr355Met (NM_001129827.2, NM_001129829.2, NM_001129830.3 and 18 more transcripts); c.1055C>T, p.Thr352Met (NM_001129844.2); short protein forms T352M, T355M.
Identifiers: ClinVar variation 1163531 (VCV001163531.7), dbSNP rs538694667, ClinGen allele CA231597677.

ClinVar aggregate classification (germline): Uncertain significance. Review status: criteria provided, multiple submitters, no conflicts (2 of 4 stars). 3 submissions from 3 submitters: Uncertain significance (3). Last evaluated 2023-07-25.

Conditions:
CACNA1C-related disorder. Also called: CACNA1C-related condition; CACNA1C-related disorders. Identifiers: MedGen CN381092, MONDO:0700321.

Allele frequency attached by ClinVar (database versions not stated): TOPMed below 0.00001.

Submissions (3):

GeneDx
Classification: Uncertain significance. Last evaluated: 2023-07-25. Review status: criteria provided, single submitter. Criteria: GeneDx Variant Classification Process June 2021. Collection method: clinical testing. Allele origin: germline. Affected: yes.
Comment: Not observed at significant frequency in large population cohorts (gnomAD); In silico analysis supports that this missense variant has a deleterious effect on protein structure/function; Has not been previously published as pathogenic or benign to our knowledge

PreventionGenetics, part of Exact Sciences
Classification: Uncertain significance for CACNA1C-related condition. Last evaluated: 2023-06-28. Review status: criteria provided, single submitter. Criteria: ACMG Guidelines, 2015. Collection method: clinical testing. Allele origin: germline.
Comment: The CACNA1C c.1064C>T variant is predicted to result in the amino acid substitution p.Thr355Met. To our knowledge, this variant has not been reported in the literature or in a large population database, indicating this variant is rare. At this time, the clinical significance of this variant is uncertain due to the absence of conclusive functional and genetic evidence.

Mayo Clinic Laboratories, Mayo Clinic
Classification: Uncertain significance. Last evaluated: 2020-12-11. Review status: criteria provided, single submitter. Criteria: ACMG Guidelines, 2015. Collection method: clinical testing. Allele origin: germline. Observed: 1 variant allele.